The following is an entry in ClinVar:

ClinVar aggregate classification (germline): Uncertain significance (1 of 4 stars; one submission).

Allele frequency attached by ClinVar (database versions not stated): gnomAD exomes below 0.00001; ExAC 0.00001; gnomAD 0.00001.

Submission:

Labcorp Genetics (formerly Invitae), Labcorp
Classification: Uncertain significance. Last evaluated: 2021-11-10. Review status: criteria provided, single submitter. Criteria: Invitae Variant Classification Sherloc (09022015). Collection method: clinical testing. Allele origin: germline.
Comment: In summary, the available evidence is currently insufficient to determine the role of this variant in disease. Therefore, it has been classified as a Variant of Uncertain Significance. This variant has not been reported in the literature in individuals affected with DSTYK-related conditions. Algorithms developed to predict the effect of missense changes on protein structure and function (SIFT, PolyPhen-2, Align-GVGD) all suggest that this variant is likely to be disruptive. Algorithms developed to predict the effect of sequence changes on RNA splicing suggest that this variant may create or strengthen a splice site. This variant is present in population databases (rs758632426, gnomAD 0.002%). This sequence change replaces arginine, which is basic and polar, with tryptophan, which is neutral and slightly polar, at codon 624 of the DSTYK protein (p.Arg624Trp).

NM_015375.3(DSTYK):c.1870A>T (p.Arg624Trp)

Gene: DSTYK (dual serine/threonine and tyrosine protein kinase; minus strand). Cytogenetic location: 1q32.1.
Variant type: single nucleotide variant.
Coding change: c.1870A>T on transcript NM_015375.3 (MANE Select); coding-DNA position 1870, A replaced by T.
Protein change: p.Arg624Trp; replaces arginine 624 with tryptophan.
Molecular consequence: missense variant.
Genome position (GRCh38, 1-based): chr1:205,161,336, T>A on the plus strand (A>T on the coding strand, the complement: DSTYK is on the minus strand). VCF-style: chr1-205161336-T-A. GRCh37 (hg19) VCF-style: chr1-205130464-T-A.
Other names: c.1870A>T, p.Arg624Trp (NM_199462.3); short protein forms R624W.
Identifiers: ClinVar variation 1392358 (VCV001392358.6), dbSNP rs758632426, ClinGen allele CA1352726.